The following is an entry in ClinVar:

NM_001204.7(BMPR2):c.2783G>A (p.Gly928Glu)

Gene: BMPR2 (bone morphogenetic protein receptor type 2; plus strand). Cytogenetic location: 2q33.2.
Variant type: single nucleotide variant.
Coding change: c.2783G>A on transcript NM_001204.7 (MANE Select); coding-DNA position 2783, G replaced by A.
Protein change: p.Gly928Glu; replaces glycine 928 with glutamic acid.
Molecular consequence: missense variant.
Genome position (GRCh38, 1-based): chr2:202,556,448, G>A. VCF-style: chr2-202556448-G-A. GRCh37 (hg19) VCF-style: chr2-203421171-G-A.
Other names: short protein forms G928E.
Identifiers: ClinVar variation 4867617 (VCV004867617.1).

ClinVar aggregate classification (germline): Uncertain significance (1 of 4 stars; one submission).

Conditions:
Inborn genetic diseases. Identifiers: MedGen C0950123, MeSH D030342.

Submission:

Ambry Genetics
Classification: Uncertain significance for Inborn genetic diseases. Last evaluated: 2026-04-28. Review status: criteria provided, single submitter. Criteria: Ambry Variant Classification Scheme 2023. Collection method: clinical testing. Allele origin: germline.
Comment: The p.G928E variant (also known as c.2783G>A), located in coding exon 12 of the BMPR2 gene, results from a G to A substitution at nucleotide position 2783. The glycine at codon 928 is replaced by glutamic acid, an amino acid with similar properties. This amino acid position is conserved. In addition, this alteration is predicted to be tolerated by in silico analysis. Based on the available evidence, the clinical significance of this variant remains unclear.